The following is an entry in ClinVar:

NM_206933.4(USH2A):c.868T>C (p.Ser290Pro)

Gene: USH2A (usherin; minus strand). Cytogenetic location: 1q41.
Variant type: single nucleotide variant.
Coding change: c.868T>C on transcript NM_206933.4 (MANE Select); coding-DNA position 868, T replaced by C.
Protein change: p.Ser290Pro; replaces serine 290 with proline.
Molecular consequence: missense variant.
Genome position (GRCh38, 1-based): chr1:216,325,580, A>G on the plus strand (T>C on the coding strand, the complement: USH2A is on the minus strand). VCF-style: chr1-216325580-A-G. GRCh37 (hg19) VCF-style: chr1-216498922-A-G.
Other names: c.868T>C, p.Ser290Pro (NM_007123.6); short protein forms S290P.
Identifiers: ClinVar variation 3377606 (VCV003377606.1).

ClinVar aggregate classification (germline): Uncertain significance (1 of 4 stars; one submission).

Conditions:
Usher syndrome type 2A. Also called: USHER SYNDROME, TYPE IIA; RETINAL DISEASE IN USHER SYNDROME TYPE IIA, MODIFIER OF. Identifiers: Orphanet 231178, Orphanet 886, MedGen C1848634, MONDO:0010169, OMIM 276901.

gnomAD v4.1: 4 of 1,613,260 alleles (0.00025%); highest among the groups gnomAD compares: South Asian, 0.0033%; no homozygotes.

Submission:

Neuberg Centre For Genomic Medicine, NCGM
Classification: Uncertain significance for Usher syndrome type 2A. Last evaluated: 2023-06-22. Review status: criteria provided, single submitter. Criteria: ACMG Guidelines, 2015. Collection method: clinical testing. Allele origin: germline. Inheritance: Autosomal recessive inheritance. Affected: yes.
Comment: The observed missense c.868T>C(p.Ser290Pro) variant in USH2A gene has not been reported previously as a pathogenic variant nor as a benign variant, to our knowledge. This variant is reported with the allele frequency of 0.001% in the gnomAD Exomes. The amino acid Ser at position 290 is changed to a Pro changing protein sequence and it might alter its composition and physico-chemical properties. The amino acid change p.Ser290Pro in USH2A is predicted as conserved by GERP++ and PhyloP across 100 vertebrates. Multiple lines of computational evidence (Polyphen - Damaging, SIFT - Damaging, and MutationTaster - Disease causing) predict a damaging effect on protein structure and function for this variant. For these reasons, this variant has been classified as Uncertain Significance. In the absence of another reportable variant, the molecular diagnosis is not confirmed.